The following is an entry in ClinVar:

ClinVar aggregate classification (germline): Pathogenic (1 of 4 stars; one submission).

Conditions:
Marfan syndrome (MFS). Also called: Marfan syndrome type 1; Marfan's syndrome; FBN1-Related Marfan Syndrome; MARFAN SYNDROME, TYPE I; Marfan syndrome, classic. Identifiers: Orphanet 284963, Orphanet 558, MedGen C0024796, MONDO:0007947, OMIM 154700.

Submission:

Centre of Medical Genetics, University of Antwerp
Classification: Pathogenic for Marfan syndrome. Last evaluated: 2021-03-01. Review status: criteria provided, single submitter. Criteria: Submitter's publication. Collection method: research. Allele origin: unknown. Affected: yes.
Comment: PM2, PVS2, PP4

NM_000138.5(FBN1):c.6409T>G (p.Cys2137Gly)

Gene: FBN1 (fibrillin 1; minus strand). Cytogenetic location: 15q21.1.
Variant type: single nucleotide variant.
Coding change: c.6409T>G on transcript NM_000138.5 (MANE Select); coding-DNA position 6409, T replaced by G.
Protein change: p.Cys2137Gly; replaces cysteine 2137 with glycine.
Molecular consequence: missense variant.
Genome position (GRCh38, 1-based): chr15:48,437,048, A>C on the plus strand (T>G on the coding strand, the complement: FBN1 is on the minus strand). VCF-style: chr15-48437048-A-C. GRCh37 (hg19) VCF-style: chr15-48729245-A-C.
Other names: c.6409T>G, p.Cys2137Gly (NM_001406716.1); short protein forms C2137G.
Identifiers: ClinVar variation 1325441 (VCV001325441.2), dbSNP rs2141240456, ClinGen allele CA392336649.